The following is an entry in ClinVar:

NM_005144.5(HR):c.2992C>T (p.Arg998Trp)

Gene: HR (HR lysine demethylase and nuclear receptor corepressor; minus strand). Cytogenetic location: 8p21.3.
Variant type: single nucleotide variant.
Coding change: c.2992C>T on transcript NM_005144.5 (MANE Select); coding-DNA position 2992, C replaced by T.
Protein change: p.Arg998Trp; replaces arginine 998 with tryptophan.
Molecular consequence: missense variant.
Genome position (GRCh38, 1-based): chr8:22,119,269, G>A on the plus strand (C>T on the coding strand, the complement: HR is on the minus strand). VCF-style: chr8-22119269-G-A. GRCh37 (hg19) VCF-style: chr8-21976782-G-A.
Other names: c.2992C>T, p.Arg998Trp (NM_018411.4); short protein forms R998W.
Identifiers: ClinVar variation 4802944 (VCV004802944.1).

ClinVar aggregate classification (germline): Uncertain significance (1 of 4 stars; one submission).

gnomAD v4.1: 114 of 1,613,536 alleles (0.0071%); highest among the groups gnomAD compares: Middle Eastern, 0.033%; no homozygotes.

Submission:

Labcorp Genetics (formerly Invitae), Labcorp
Classification: Uncertain significance. Last evaluated: 2025-11-03. Review status: criteria provided, single submitter. Criteria: Invitae Variant Classification Sherloc (09022015). Collection method: clinical testing. Allele origin: germline.
Comment: This sequence change replaces arginine, which is basic and polar, with tryptophan, which is neutral and slightly polar, at codon 998 of the HR protein (p.Arg998Trp). This variant is present in population databases (rs150573552, gnomAD 0.02%). This variant has not been reported in the literature in individuals affected with HR-related conditions. An algorithm developed to predict the effect of missense changes on protein structure and function (PolyPhen-2) suggests that this variant is likely to be disruptive. In summary, the available evidence is currently insufficient to determine the role of this variant in disease. Therefore, it has been classified as a Variant of Uncertain Significance.